The following is an entry in ClinVar:

ClinVar aggregate classification (germline): Uncertain significance (1 of 4 stars; one submission).

Submission:

Labcorp Genetics (formerly Invitae), Labcorp
Classification: Uncertain significance. Last evaluated: 2024-10-03. Review status: criteria provided, single submitter. Criteria: Invitae Variant Classification Sherloc (09022015). Collection method: clinical testing. Allele origin: germline.
Comment: This sequence change replaces alanine, which is neutral and non-polar, with valine, which is neutral and non-polar, at codon 103 of the DLL1 protein (p.Ala103Val). This variant is not present in population databases (gnomAD no frequency). This variant has not been reported in the literature in individuals affected with DLL1-related conditions. An algorithm developed to predict the effect of missense changes on protein structure and function (PolyPhen-2) suggests that this variant is likely to be tolerated. In summary, the available evidence is currently insufficient to determine the role of this variant in disease. Therefore, it has been classified as a Variant of Uncertain Significance.

NM_005618.4(DLL1):c.308C>T (p.Ala103Val)

Gene: DLL1 (delta like canonical Notch ligand 1; minus strand). Cytogenetic location: 6q27.
Variant type: single nucleotide variant.
Coding change: c.308C>T on transcript NM_005618.4 (MANE Select); coding-DNA position 308, C replaced by T.
Protein change: p.Ala103Val; replaces alanine 103 with valine.
Molecular consequence: missense variant.
Genome position (GRCh38, 1-based): chr6:170,289,555, G>A on the plus strand (C>T on the coding strand, the complement: DLL1 is on the minus strand). VCF-style: chr6-170289555-G-A. GRCh37 (hg19) VCF-style: chr6-170598643-G-A.
Other names: short protein forms A103V.
Identifiers: ClinVar variation 3675010 (VCV003675010.2).
Genomic context (GRCh38, chr6:170,289,555, plus strand): 5'-GCAGGTGCGGCACTCACCGGCCAGGTGAAGCCGAAGGGGAAGCGGATGGGGTTGCTGAAC[G>A]CGGAGTCGGCGCCCCCGCCGTCGGGCAGACTGAAGGAGTCGACGCCCAGCACGGGGGTGA-3'
Protein context (NP_005609.3, residues 93-113): SLPDGGGADS[Ala103Val]FSNPIRFPFG